The following is an entry in ClinVar:

NM_002101.5(GYPC):c.190+8C>G

Gene: GYPC (glycophorin C (Gerbich blood group); plus strand). Cytogenetic location: 2q14.3.
Variant type: single nucleotide variant.
Coding change: c.190+8C>G on transcript NM_002101.5 (MANE Select); 8 bases into the intron after coding-DNA position 190, C replaced by G.
Molecular consequence: intron variant.
Genome position (GRCh38, 1-based): chr2:126,693,955, C>G. VCF-style: chr2-126693955-C-G. GRCh37 (hg19) VCF-style: chr2-127451531-C-G.
Other names: p.?; c.127+8C>G (NM_001256584.2); c.133+8C>G (NM_016815.4).
Identifiers: ClinVar variation 779867 (VCV000779867.7), dbSNP rs28387219, ClinGen allele CA1856723.

ClinVar aggregate classification (germline): Benign. Review status: criteria provided, multiple submitters, no conflicts (2 of 4 stars). 4 submissions from 4 submitters: Benign (3). 1 of the submissions does not count toward it. Last evaluated 2018-05-10.

Conditions:
GYPC-related disorder. Also called: GYPC-related condition.

Allele frequency attached by ClinVar (database versions not stated): gnomAD 0.01515 and 0.01623; 1000 Genomes Project 0.01697; ESP Exome Variant Server 0.01776; 1000 Genomes Project 30x 0.01874; gnomAD exomes 0.00153 and 0.00403; ExAC 0.00497; TOPMed 0.01724.
gnomAD v4.1: 4,625 of 1,582,978 alleles (0.29%); highest among the groups gnomAD compares: African/African-American, 5.3%; 119 homozygotes.

Submissions (4):

Labcorp Genetics (formerly Invitae), Labcorp
Classification: Benign. Last evaluated: 2018-05-10. Review status: criteria provided, single submitter. Criteria: Invitae Variant Classification Sherloc (09022015). Collection method: clinical testing. Allele origin: germline.

Mayo Clinic Laboratories, Mayo Clinic
Classification: Benign. Last evaluated: 2016-08-25. Review status: criteria provided, single submitter. Criteria: ACMG Guidelines, 2015. Collection method: clinical testing. Allele origin: germline. Observed: 61 variant alleles.

Breakthrough Genomics
Classification: Benign. Review status: criteria provided, single submitter. Criteria: ACMG Guidelines, 2015. Collection method: not provided. Allele origin: germline. Inheritance: Unknown mechanism. Affected: yes.

PreventionGenetics, part of Exact Sciences
Classification: Benign for GYPC-related condition. Last evaluated: 2019-11-14. Review status: no assertion criteria provided. Collection method: clinical testing. Allele origin: germline. Not counted in ClinVar's aggregate classification.
Comment: This variant is classified as benign based on ACMG/AMP sequence variant interpretation guidelines (Richards et al. 2015 PMID: 25741868, with internal and published modifications).